The following is an entry in ClinVar:

NM_002225.5(IVD):c.34G>A (p.Val12Met)

Gene: IVD (isovaleryl-CoA dehydrogenase; plus strand). Cytogenetic location: 15q15.1.
Variant type: single nucleotide variant.
Coding change: c.34G>A on transcript NM_002225.5 (MANE Select); coding-DNA position 34, G replaced by A.
Protein change: p.Val12Met; replaces valine 12 with methionine.
Molecular consequence: missense variant. On other transcripts: 5 prime UTR variant (1), non-coding transcript variant (1).
Genome position (GRCh38, 1-based): chr15:40,405,861, G>A. VCF-style: chr15-40405861-G-A. GRCh37 (hg19) VCF-style: chr15-40698062-G-A.
Other names: c.43G>A (NM_002225.3); c.34G>A, p.Val12Met (NM_001159508.3, NM_001354598.3, NM_001354599.3 and 2 more transcripts); c.-394G>A (NM_001354597.3); short protein forms V12M.
Identifiers: ClinVar variation 2188208 (VCV002188208.4), dbSNP rs763769374, ClinGen allele CA7480474.

ClinVar aggregate classification (germline): Uncertain significance. Review status: criteria provided, multiple submitters, no conflicts (2 of 4 stars). 2 submissions from 2 submitters: Uncertain significance (2). Last evaluated 2024-09-09.

Conditions:
Inborn genetic diseases. Identifiers: MedGen C0950123, MeSH D030342.
Isovaleryl-CoA dehydrogenase deficiency (IVA). Also called: IVD DEFICIENCY; Classic Isovaleric Acidemia; ISOVALERIC ACID CoA DEHYDROGENASE DEFICIENCY; Isovaleric acidemia. Identifiers: Orphanet 33, MedGen C0268575, MONDO:0009475, OMIM 243500.

Allele frequency attached by ClinVar (database versions not stated): gnomAD 0.00001; TOPMed 0.00001; ExAC 0.00003; gnomAD exomes 0.00003.
gnomAD v4.1: 41 of 1,612,964 alleles (0.0025%); highest among the groups gnomAD compares: Middle Eastern, 0.017%; no homozygotes.

Submissions (2):

Labcorp Genetics (formerly Invitae), Labcorp
Classification: Uncertain significance for Isovaleryl-CoA dehydrogenase deficiency. Last evaluated: 2024-09-09. Review status: criteria provided, single submitter. Criteria: Invitae Variant Classification Sherloc (09022015). Collection method: clinical testing. Allele origin: germline.
Comment: This sequence change replaces valine, which is neutral and non-polar, with methionine, which is neutral and non-polar, at codon 15 of the IVD protein (p.Val15Met). This variant is present in population databases (rs763769374, gnomAD 0.004%). This variant has not been reported in the literature in individuals affected with IVD-related conditions. ClinVar contains an entry for this variant (Variation ID: 2188208). An algorithm developed to predict the effect of missense changes on protein structure and function outputs the following: PolyPhen-2: "Benign". The methionine amino acid residue is found in multiple mammalian species, which suggests that this missense change does not adversely affect protein function. In summary, the available evidence is currently insufficient to determine the role of this variant in disease. Therefore, it has been classified as a Variant of Uncertain Significance.

Ambry Genetics
Classification: Uncertain significance for Inborn genetic diseases. Last evaluated: 2021-11-23. Review status: criteria provided, single submitter. Criteria: Ambry Variant Classification Scheme 2023. Collection method: clinical testing. Allele origin: germline.